The following is an entry in ClinVar:

NM_000051.4(ATM):c.76G>C (p.Glu26Gln)

Gene: ATM (ATM serine/threonine kinase; plus strand). Cytogenetic location: 11q22.3.
Variant type: single nucleotide variant.
Coding change: c.76G>C on transcript NM_000051.4 (MANE Select); coding-DNA position 76, G replaced by C.
Protein change: p.Glu26Gln; replaces glutamic acid 26 with glutamine.
Molecular consequence: missense variant.
Genome position (GRCh38, 1-based): chr11:108,227,779, G>C. VCF-style: chr11-108227779-G-C. GRCh37 (hg19) VCF-style: chr11-108098506-G-C.
Other names: p.E26Q:GAA>CAA; NM_000051.4(ATM):c.76G>C; p.Glu26Gln; c.76G>C, p.Glu26Gln (NM_001351834.2, NM_001351835.2, NM_001351836.2); short protein forms E26Q.
Identifiers: ClinVar variation 181944 (VCV000181944.45), dbSNP rs730881361, ClinGen allele CA298210.

ClinVar aggregate classification (germline): Likely benign. Review status: reviewed by expert panel (3 of 4 stars). 12 submissions from 12 submitters: Likely benign (1). 11 of the submissions do not count toward it. Last evaluated 2025-06-11.

Conditions:
ATM-related cancer predisposition. Also called: ATM-related cancer susceptibility. Identifiers: MedGen CN377759, MONDO:0700270.
Hereditary cancer-predisposing syndrome. Also called: Tumor predisposition; Hereditary Cancer Syndrome; Hereditary neoplastic syndrome; Neoplastic Syndromes, Hereditary. Identifiers: Orphanet 140162, MedGen C0027672, MeSH D009386, MONDO:0015356.
Familial cancer of breast. Also called: Hereditary breast cancer; hereditary breast carcinoma; BREAST CANCER, FAMILIAL. Identifiers: Orphanet 227535, MedGen C0346153, MONDO:0016419, OMIM 114480. Disease mechanism: loss of function.
Ataxia-telangiectasia syndrome (AT). Also called: LOUIS-BAR SYNDROME; ATAXIA-TELANGIECTASIA, COMPLEMENTATION GROUP A; ATAXIA-TELANGIECTASIA, FRESNO VARIANT; Ataxia-telangiectasia; Ataxia telangiectasia (A-T); Cerebello-oculocutaneous telangiectasia. Identifiers: Orphanet 100, MedGen C0004135, MONDO:0008840, OMIM 208900.

Allele frequency attached by ClinVar (database versions not stated): gnomAD exomes below 0.00001; gnomAD 0.00001; TOPMed 0.00001.
gnomAD v4.1: 3 of 1,613,358 alleles (0.00019%); highest among the groups gnomAD compares: Non-Finnish European, 0.00025%; no homozygotes.

Submissions (12):

ClinGen Hereditary Breast, Ovarian and Pancreatic Cancer Variant Curation Expert Panel, ClinGen
Classification: Likely benign for ATM-related cancer predisposition. Last evaluated: 2025-06-11. Review status: reviewed by expert panel. Criteria: ClinGen HBOP ACMG Specifications ATM V1.3.0. Collection method: curation. Allele origin: germline. Inheritance: Autosomal dominant inheritance.
Comment: The c.76G>C (p.Glu26Gln) variant in ATM is a missense variant predicted to cause substitution of glutamic acid by glutamine at amino acid 26 (p.Glu26Gln). This variant has been observed in the homozygous state in multiple individuals without Ataxia-Telangiectasia (Invitae internal data). The highest population minor allele frequency in gnomAD v4.1.0 is 0.000002543 in the European (non-Finnish) population, which is lower than the HBOP threshold (≤0.00001) for PM2_Supporting, meeting this criterion. The computational predictor REVEL gives a score of 0.164, which is below the threshold of 0.249 and the splice site predictor SpliceAI indicated that the variant has no impact on splicing, evidence that does not predict a damaging effect on ATM function. Although there are both pathogenic and benign types of evidence for this variant, the pathogenic evidence is not considered inconsistent with the final classification. In summary, this variant meets criteria to be classified as likely benign for autosomal dominant ATM-related cancer predisposition and autosomal recessive Ataxia-Telangiectasia based on the ACMG/AMP criteria applied, as specified by the HBOP VCEP. (BP2_Moderate, PM2_Supporting, BP4)

Ambry Genetics
Classification: Likely benign for Hereditary cancer-predisposing syndrome. Last evaluated: 2026-03-25. Review status: criteria provided, single submitter. Criteria: Ambry Variant Classification Scheme 2023. Collection method: clinical testing. Allele origin: germline. Not counted in ClinVar's aggregate classification.

Labcorp Genetics (formerly Invitae), Labcorp
Classification: Likely benign for Ataxia-telangiectasia syndrome. Last evaluated: 2026-01-31. Review status: criteria provided, single submitter. Criteria: Invitae Variant Classification Sherloc (09022015). Collection method: clinical testing. Allele origin: germline. Not counted in ClinVar's aggregate classification.

Color Diagnostics, LLC DBA Color Health
Classification: Likely benign for Hereditary cancer-predisposing syndrome. Last evaluated: 2025-11-25. Review status: criteria provided, single submitter. Criteria: ACMG Guidelines, 2015. Collection method: clinical testing. Allele origin: germline. Not counted in ClinVar's aggregate classification.

Women's Health and Genetics/Laboratory Corporation of America, LabCorp
Classification: Uncertain significance. Last evaluated: 2024-11-14. Review status: criteria provided, single submitter. Criteria: LabCorp Variant Classification Summary - May 2015. Collection method: clinical testing. Allele origin: germline. Not counted in ClinVar's aggregate classification.
Comment: Variant summary: ATM c.76G>C (p.Glu26Gln) results in a conservative amino acid change located in the Telomere-length maintenance and DNA damage repair domain of the encoded protein sequence. Three of five in-silico tools predict a benign effect of the variant on protein function. The variant was absent in 251078 control chromosomes. The available data on variant occurrences in the general population are insufficient to allow any conclusion about variant significance. c.76G>C has been reported in the literature in individuals affected with breast cancer (Dorling_2021), endometrial cancer (Ring_2016) and chronic lymphocytic leukemia (Tiao_2017), but it has also been reported in controls (Dorling_2021). These reports do not provide unequivocal conclusions about association of the variant with Breast Cancer. To our knowledge, no experimental evidence demonstrating an impact on protein function has been reported. The following publications have been ascertained in the context of this evaluation (PMID: 27443514, 28652578, 33471991). ClinVar contains an entry for this variant (Variation ID: 181944). Based on the evidence outlined above, the variant was classified as uncertain significance.

Quest Diagnostics Nichols Institute San Juan Capistrano
Classification: Uncertain significance. Last evaluated: 2024-10-31. Review status: criteria provided, single submitter. Criteria: Quest Diagnostics criteria. Collection method: clinical testing. Allele origin: unknown. Not counted in ClinVar's aggregate classification.
Comment: The ATM c.76G>C (p.Glu26Gln) variant has been reported in the published literature in individuals with endometrial cancer (PMID: 27443514 (2016)), chronic lymphocytic leukemia (PMID: 28652578 (2017)), breast cancer (PMID: 33471991 (2021) see also LOVD), and pancreatic cancer (PMID: 35047863 (2022)), as well as a reportedly healthy individual (PMID: 33471991 (2021), see also LOVD). The frequency of this variant in the general population, 0.0000066 (1/152054 chromosomes (Genome Aggregation Database)), is uninformative in the assessment of its pathogenicity. Analysis of this variant using bioinformatics tools for the prediction of the effect of amino acid changes on protein structure and function yielded conflicting predictions that this variant is benign or damaging. Based on the available information, we are unable to determine the clinical significance of this variant.

GeneDx
Classification: Uncertain significance. Last evaluated: 2024-06-27. Review status: criteria provided, single submitter. Criteria: GeneDx Variant Classification Process June 2021. Collection method: clinical testing. Allele origin: germline. Affected: yes. Not counted in ClinVar's aggregate classification.
Comment: Observed in individuals with chronic lymphocytic leukemia, endometrial, or breast cancer, as well as in control group in a breast cancer study (PMID: 28652578, 27443514, 33471991); Not observed at significant frequency in large population cohorts (gnomAD); In silico analysis indicates that this missense variant does not alter protein structure/function; In silico analysis is inconclusive as to whether the variant alters gene splicing. In the absence of RNA/functional studies, the actual effect of this sequence change is unknown.; This variant is associated with the following publications: (PMID: 27443514, 35047863, 33471991, 28652578)

Athena Diagnostics
Classification: Uncertain significance. Last evaluated: 2024-04-11. Review status: criteria provided, single submitter. Criteria: Athena Diagnostics Criteria. Collection method: clinical testing. Allele origin: unknown. Not counted in ClinVar's aggregate classification.
Comment: Available data are insufficient to determine the clinical significance of the variant at this time. The frequency of this variant in the general population is uninformative in assessment of its pathogenicity. Computational tools predict that this variant is damaging.

Baylor Genetics
Classification: Uncertain significance for Familial cancer of breast. Last evaluated: 2023-10-31. Review status: criteria provided, single submitter. Criteria: ACMG Guidelines, 2015. Collection method: clinical testing. Allele origin: unknown. Not counted in ClinVar's aggregate classification.

MGZ Medical Genetics Center
Classification: Uncertain significance for Familial cancer of breast. Last evaluated: 2022-07-28. Review status: criteria provided, single submitter. Criteria: ACMG Guidelines, 2015. Collection method: clinical testing. Allele origin: germline. Affected: yes. Observed: 1 variant allele. Not counted in ClinVar's aggregate classification.
Comment: ACMG criteria applied: PM2_SUP, BP4

ARUP Laboratories, Molecular Genetics and Genomics, ARUP Laboratories
Classification: Uncertain significance. Last evaluated: 2017-04-07. Review status: criteria provided, single submitter. Criteria: ARUP Molecular Germline Variant Investigation Process. Collection method: clinical testing. Allele origin: germline. Not counted in ClinVar's aggregate classification.

Natera, Inc.
Classification: Uncertain significance for Ataxia-telangiectasia. Last evaluated: 2021-02-09. Review status: no assertion criteria provided. Collection method: clinical testing. Allele origin: germline. Not counted in ClinVar's aggregate classification.

Literature cited by the submitters: PubMed 27443514 (cited by 4 submitters); PubMed 40580951 (cited by Ambry Genetics); PubMed 28652578 (cited by 3 submitters); PubMed 33471991 (cited by 3 submitters); PubMed 38153744 (cited by Quest Diagnostics Nichols Institute San Juan Capistrano and Athena Diagnostics); PubMed 38489015 (cited by Quest Diagnostics Nichols Institute San Juan Capistrano and Athena Diagnostics); PubMed 35047863 (cited by Quest Diagnostics Nichols Institute San Juan Capistrano and Athena Diagnostics).